The following is an entry in ClinVar:

NM_014043.4(CHMP2B):c.266_269del (p.Thr89fs)

Gene: CHMP2B (charged multivesicular body protein 2B; plus strand). Cytogenetic location: 3p11.2.
Variant type: Microsatellite.
Coding change: c.266_269del on transcript NM_014043.4 (MANE Select); coding-DNA positions 266 to 269, 4 bases deleted (CAAA; older notation c.266_269delCAAA).
Protein change: p.Thr89fs; shifts the reading frame from threonine 89.
Molecular consequence: frameshift variant.
Genome position (GRCh38, 1-based): chr3:87,245,853-87,245,856, CAAA deleted; deleting any 4 consecutive bases within chr3:87,245,848-87,245,856 gives the same sequence; the c. name uses the placement nearest the transcript's 3' end. VCF-style (leftmost placement, unchanged base first): chr3-87245847-CACAA-C. GRCh37 (hg19) VCF-style: chr3-87294997-CACAA-C.
Other names: c.143_146del, p.Thr48fs (NM_001244644.2); c.358_361CAAA[1], p.Thr121Lysfs (NM_001410777.1); c.266_269delCAAA (NM_014043.3); short protein forms T48fs, T89fs.
Identifiers: ClinVar variation 1962709 (VCV001962709.6), dbSNP rs765690978, ClinGen allele CA2500946.

ClinVar aggregate classification (germline): Uncertain significance. Review status: criteria provided, single submitter (1 of 4 stars). 2 submissions from 2 submitters: Uncertain significance (1). 1 of the submissions does not count toward it. Last evaluated 2022-01-12.

Conditions:
Frontotemporal dementia and/or amyotrophic lateral sclerosis 7 (FTDALS7). Also called: AMYOTROPHIC LATERAL SCLEROSIS, CHMP2B-RELATED; CHMP2B-Related Frontotemporal Dementia-Amyotrophic Lateral Sclerosis; Amyotrophic lateral sclerosis 17; CHMP2B-related frontotemporal dementia. Identifiers: Orphanet 275864, Orphanet 282, Orphanet 803, MedGen C1833296, MONDO:0010936, OMIM 600795.
CHMP2B-related disorder. Also called: CHMP2B-related condition.

Submissions (2):

Labcorp Genetics (formerly Invitae), Labcorp
Classification: Uncertain significance for Frontotemporal dementia and/or amyotrophic lateral sclerosis 7. Last evaluated: 2022-01-12. Review status: criteria provided, single submitter. Criteria: Invitae Variant Classification Sherloc (09022015). Collection method: clinical testing. Allele origin: germline.
Comment: In summary, the available evidence is currently insufficient to determine the role of this variant in disease. Therefore, it has been classified as a Variant of Uncertain Significance. This variant has not been reported in the literature in individuals affected with CHMP2B-related conditions. This variant is present in population databases (rs765690978, gnomAD 0.003%). This sequence change creates a premature translational stop signal (p.Thr89Lysfs*2) in the CHMP2B gene. It is expected to result in an absent or disrupted protein product. However, the current clinical and genetic evidence is not sufficient to establish whether loss-of-function variants in CHMP2B cause disease.

PreventionGenetics, part of Exact Sciences
Classification: Uncertain significance for CHMP2B-related condition. Last evaluated: 2024-05-17. Review status: no assertion criteria provided. Collection method: clinical testing. Allele origin: germline. Not counted in ClinVar's aggregate classification.
Comment: The CHMP2B c.266_269delCAAA variant is predicted to result in a frameshift and premature protein termination (p.Thr89Lysfs*2). To our knowledge, this variant has not been reported in the literature. This variant is reported in 0.0033% of alleles in individuals of South Asian descent in gnomAD. Although we suspect that this variant may be pathogenic, at this time, the clinical significance of this variant is uncertain due to the absence of conclusive functional and genetic evidence.